The following is an entry in ClinVar:

NM_000321.3(RB1):c.1439A>G (p.Asn480Ser)

Gene: RB1 (RB transcriptional corepressor 1; plus strand). Cytogenetic location: 13q14.2.
Variant type: single nucleotide variant.
Coding change: c.1439A>G on transcript NM_000321.3 (MANE Select); coding-DNA position 1439, A replaced by G.
Protein change: p.Asn480Ser; replaces asparagine 480 with serine.
Molecular consequence: missense variant.
Genome position (GRCh38, 1-based): chr13:48,380,182, A>G. VCF-style: chr13-48380182-A-G. GRCh37 (hg19) VCF-style: chr13-48954318-A-G.
Other names: short protein forms N480S.
Identifiers: ClinVar variation 527899 (VCV000527899.13), dbSNP rs1555286598, ClinGen allele CA388162795.

ClinVar aggregate classification (germline): Uncertain significance. Review status: criteria provided, multiple submitters, no conflicts (2 of 4 stars). 4 submissions from 4 submitters: Uncertain significance (4). Last evaluated 2026-07-07.

Conditions:
RB1-related disorder. Also called: RB1-related condition.
Malignant tumor of urinary bladder. Also called: Bladder cancer; Urinary bladder cancer; Urinary Bladder Neoplasms. Identifiers: MedGen C0005684, MONDO:0001187, OMIM 109800.
Retinoblastoma (RB1). Also called: RETINOBLASTOMA, SOMATIC. Identifiers: Orphanet 790, MedGen C0035335, MeSH D012175, MONDO:0008380, OMIM 180200, HP:0009919. Disease mechanism: loss of function. Inheritance: Both sporadic and heritable forms are tested..
Hereditary cancer-predisposing syndrome. Also called: Hereditary Cancer Syndrome; Tumor predisposition; Hereditary neoplastic syndrome; Neoplastic Syndromes, Hereditary. Identifiers: Orphanet 140162, MedGen C0027672, MeSH D009386, MONDO:0015356.

Submissions (4):

Ambry Genetics
Classification: Uncertain significance for Hereditary cancer-predisposing syndrome. Last evaluated: 2026-07-07. Review status: criteria provided, single submitter. Criteria: Ambry Variant Classification Scheme 2023. Collection method: clinical testing. Allele origin: germline.
Comment: The p.N480S variant (also known as c.1439A>G), located in coding exon 16 of the RB1 gene, results from an A to G substitution at nucleotide position 1439. The asparagine at codon 480 is replaced by serine, an amino acid with highly similar properties. This amino acid position is conserved. In addition, this alteration is predicted to be tolerated by in silico analysis. Based on the available evidence, the clinical significance of this variant remains unclear.

Baylor Genetics
Classification: Uncertain significance for Malignant tumor of urinary bladder. Last evaluated: 2023-07-03. Review status: criteria provided, single submitter. Criteria: ACMG Guidelines, 2015. Collection method: clinical testing. Allele origin: unknown.

PreventionGenetics, part of Exact Sciences
Classification: Uncertain significance for RB1-related condition. Last evaluated: 2023-05-11. Review status: criteria provided, single submitter. Criteria: ACMG Guidelines, 2015. Collection method: clinical testing. Allele origin: germline.
Comment: The RB1 c.1439A>G variant is predicted to result in the amino acid substitution p.Asn480Ser. To our knowledge, this variant has not been reported in the literature or in a large population database, indicating this variant is rare. In ClinVar, this variant is listed as a variant of uncertain significance. At this time, the clinical significance of this variant is uncertain due to the absence of conclusive functional and genetic evidence.

Labcorp Genetics (formerly Invitae), Labcorp
Classification: Uncertain significance for Retinoblastoma. Last evaluated: 2020-04-09. Review status: criteria provided, single submitter. Criteria: Invitae Variant Classification Sherloc (09022015). Collection method: clinical testing. Allele origin: germline.
Comment: This variant is not present in population databases (ExAC no frequency). In summary, the available evidence is currently insufficient to determine the role of this variant in disease. Therefore, it has been classified as a Variant of Uncertain Significance. Algorithms developed to predict the effect of sequence changes on RNA splicing suggest that this variant may create or strengthen a splice site, but this prediction has not been confirmed by published transcriptional studies. Algorithms developed to predict the effect of missense changes on protein structure and function output the following: SIFT: "Tolerated"; PolyPhen-2: "Benign"; Align-GVGD: "Class C0". The serine amino acid residue is found in multiple mammalian species, suggesting that this missense change does not adversely affect protein function. These predictions have not been confirmed by published functional studies and their clinical significance is uncertain. This variant has not been reported in the literature in individuals with RB1-related disease. ClinVar contains an entry for this variant (Variation ID: 527899). This sequence change replaces asparagine with serine at codon 480 of the RB1 protein (p.Asn480Ser). The asparagine residue is moderately conserved and there is a small physicochemical difference between asparagine and serine.